The following is an entry in ClinVar:

ClinVar aggregate classification (germline): Uncertain significance (1 of 4 stars; one submission).

Conditions:
KBG syndrome (KBGS). Also called: ANKRD11-Related KBG Syndrome. Identifiers: Orphanet 2332, MedGen C0220687, MONDO:0007846, OMIM 148050.

Submission:

Labcorp Genetics (formerly Invitae), Labcorp
Classification: Uncertain significance for KBG syndrome. Last evaluated: 2023-10-27. Review status: criteria provided, single submitter. Criteria: Invitae Variant Classification Sherloc (09022015). Collection method: clinical testing. Allele origin: germline.
Comment: This sequence change replaces threonine, which is neutral and polar, with isoleucine, which is neutral and non-polar, at codon 548 of the ANKRD11 protein (p.Thr548Ile). This variant is not present in population databases (gnomAD no frequency). This variant has not been reported in the literature in individuals affected with ANKRD11-related conditions. ClinVar contains an entry for this variant (Variation ID: 2101011). Advanced modeling of protein sequence and biophysical properties (such as structural, functional, and spatial information, amino acid conservation, physicochemical variation, residue mobility, and thermodynamic stability) performed at Invitae indicates that this missense variant is not expected to disrupt ANKRD11 protein function with a negative predictive value of 95%. In summary, the available evidence is currently insufficient to determine the role of this variant in disease. Therefore, it has been classified as a Variant of Uncertain Significance.

NM_013275.6(ANKRD11):c.1643C>T (p.Thr548Ile)

Gene: ANKRD11 (ankyrin repeat domain 11; minus strand). Cytogenetic location: 16q24.3.
Variant type: single nucleotide variant.
Coding change: c.1643C>T on transcript NM_013275.6 (MANE Select); coding-DNA position 1643, C replaced by T.
Protein change: p.Thr548Ile; replaces threonine 548 with isoleucine.
Molecular consequence: missense variant.
Genome position (GRCh38, 1-based): chr16:89,284,899, G>A on the plus strand (C>T on the coding strand, the complement: ANKRD11 is on the minus strand). VCF-style: chr16-89284899-G-A. GRCh37 (hg19) VCF-style: chr16-89351307-G-A.
Other names: c.1643C>T, p.Thr548Ile (NM_001256182.2, NM_001256183.2); short protein forms T548I.
Identifiers: ClinVar variation 2101011 (VCV002101011.4), dbSNP rs2544244244, ClinGen allele CA397164517.